The following is an entry in ClinVar:

ClinVar aggregate classification (germline): Pathogenic (1 of 4 stars; one submission).

Conditions:
Inborn genetic diseases. Identifiers: MedGen C0950123, MeSH D030342.

Submission:

Ambry Genetics
Classification: Pathogenic for Inborn genetic diseases. Last evaluated: 2024-05-06. Review status: criteria provided, single submitter. Criteria: Ambry Variant Classification Scheme 2023. Collection method: clinical testing. Allele origin: germline.
Comment: The c.2624C>G (p.S875*) alteration, located in exon 16 (coding exon 16) of the TCOF1 gene, consists of a C to G substitution at nucleotide position 2624. This changes the amino acid from a serine (S) to a stop codon at amino acid position 875. This alteration is expected to result in loss of function by premature protein truncation or nonsense-mediated mRNA decay. This variant was not reported in population-based cohorts in the Genome Aggregation Database (gnomAD). Based on the available evidence, this alteration is classified as pathogenic.

NM_001371623.1(TCOF1):c.2624C>G (p.Ser875Ter)

Gene: TCOF1 (treacle ribosome biogenesis factor 1; plus strand). Cytogenetic location: 5q32.
Variant type: single nucleotide variant.
Coding change: c.2624C>G on transcript NM_001371623.1 (MANE Select); coding-DNA position 2624, C replaced by G.
Protein change: p.Ser875Ter; replaces serine 875 with a stop codon.
Molecular consequence: nonsense.
Genome position (GRCh38, 1-based): chr5:150,379,374, C>G. VCF-style: chr5-150379374-C-G. GRCh37 (hg19) VCF-style: chr5-149758937-C-G.
Other names: c.2393C>G, p.Ser798Ter (NM_000356.4, NM_001135245.2); c.2624C>G, p.Ser875Ter (NM_001008657.3, NM_001135243.2, NM_001135244.2 and 1 more transcripts); short protein forms S798*, S875*.
Identifiers: ClinVar variation 3325033 (VCV003325033.1).